The following is an entry in ClinVar:

NM_016169.4(SUFU):c.183-2A>C

Gene: SUFU (SUFU negative regulator of hedgehog signaling; plus strand). Cytogenetic location: 10q24.32.
Variant type: single nucleotide variant.
Coding change: c.183-2A>C on transcript NM_016169.4 (MANE Select); the canonical splice acceptor site of the intron before coding-DNA position 183, A replaced by C.
Molecular consequence: splice acceptor variant.
Genome position (GRCh38, 1-based): chr10:102,509,167, A>C. VCF-style: chr10-102509167-A-C. GRCh37 (hg19) VCF-style: chr10-104268924-A-C.
Other names: c.183-2A>C (NM_001178133.2).
Identifiers: ClinVar variation 1478847 (VCV001478847.6), dbSNP rs2135619894, ClinGen allele CA377888063.

ClinVar aggregate classification (germline): Likely pathogenic (1 of 4 stars; one submission).

Conditions:
Gorlin syndrome. Also called: Nevoid Basal Cell Carcinoma Syndrome; Basal cell nevus syndrome. Identifiers: Orphanet 377, MedGen C0004779, MONDO:0007187.
Medulloblastoma (MDB). Also called: MEDULLOBLASTOMA PREDISPOSITION SYNDROME; Medulloblastoma, somatic. Identifiers: Orphanet 616, MedGen C0025149, MeSH D008527, MONDO:0007959, OMIM 155255, HP:0002885.

Submission:

Labcorp Genetics (formerly Invitae), Labcorp
Classification: Likely pathogenic for Gorlin syndrome; Medulloblastoma. Last evaluated: 2021-10-04. Review status: criteria provided, single submitter. Criteria: Invitae Variant Classification Sherloc (09022015). Collection method: clinical testing. Allele origin: germline.
Comment: In summary, the currently available evidence indicates that the variant is pathogenic, but additional data are needed to prove that conclusively. Therefore, this variant has been classified as Likely Pathogenic. Algorithms developed to predict the effect of sequence changes on RNA splicing suggest that this variant may disrupt the consensus splice site. Disruption of this splice site has been observed in individual(s) with medulloblastoma (PMID: 12068298). This variant is not present in population databases (ExAC no frequency). This sequence change affects an acceptor splice site in intron 1 of the SUFU gene. It is expected to disrupt RNA splicing. Variants that disrupt the donor or acceptor splice site typically lead to a loss of protein function (PMID: 16199547), and loss-of-function variants in SUFU are known to be pathogenic (PMID: 22508808, 25403219).

Literature cited by the submitters: PubMed 12068298; PubMed 16199547; PubMed 22508808; PubMed 25403219.